The following is an entry in ClinVar:

ClinVar aggregate classification (germline): Likely benign. Review status: criteria provided, single submitter (1 of 4 stars). 2 submissions from 2 submitters: Likely benign (1). 1 of the submissions does not count toward it. Last evaluated 2025-06-08.

Conditions:
JAK1-related disorder. Also called: JAK1-related condition.

Allele frequency attached by ClinVar (database versions not stated): gnomAD exomes below 0.00001 and 0.00001; TOPMed 0.00001; ExAC 0.00002.
gnomAD v4.1: 9 of 1,614,170 alleles (0.00056%); highest among the groups gnomAD compares: Non-Finnish European, 0.00051%; no homozygotes.

Submissions (2):

Labcorp Genetics (formerly Invitae), Labcorp
Classification: Likely benign. Last evaluated: 2025-06-08. Review status: criteria provided, single submitter. Criteria: Invitae Variant Classification Sherloc (09022015). Collection method: clinical testing. Allele origin: germline.

PreventionGenetics, part of Exact Sciences
Classification: Likely benign for JAK1-related condition. Last evaluated: 2019-04-02. Review status: no assertion criteria provided. Collection method: clinical testing. Allele origin: germline. Not counted in ClinVar's aggregate classification.
Comment: This variant is classified as likely benign based on ACMG/AMP sequence variant interpretation guidelines (Richards et al. 2015 PMID: 25741868, with internal and published modifications).

NM_002227.4(JAK1):c.351T>C (p.His117=)

Gene: JAK1 (Janus kinase 1; minus strand). Cytogenetic location: 1p31.3.
Variant type: single nucleotide variant.
Coding change: c.351T>C on transcript NM_002227.4 (MANE Select); coding-DNA position 351, T replaced by C.
Protein change: p.His117=; no amino-acid change (histidine 117 retained).
Molecular consequence: synonymous variant.
Genome position (GRCh38, 1-based): chr1:64,873,502, A>G on the plus strand (T>C on the coding strand, the complement: JAK1 is on the minus strand). VCF-style: chr1-64873502-A-G. GRCh37 (hg19) VCF-style: chr1-65339185-A-G.
Other names: c.351T>C (NM_002227.3); c.351T>C, p.His117= (NM_001320923.2, NM_001321852.2, NM_001321853.2 and 4 more transcripts).
Identifiers: ClinVar variation 1506099 (VCV001506099.10), dbSNP rs758758044, ClinGen allele CA893175.